The following is an entry in ClinVar:

ClinVar aggregate classification (germline): Uncertain significance (1 of 4 stars; one submission).

Conditions:
Inborn genetic diseases. Identifiers: MedGen C0950123, MeSH D030342.

Submission:

Ambry Genetics
Classification: Uncertain significance for Inborn genetic diseases. Last evaluated: 2022-08-28. Review status: criteria provided, single submitter. Criteria: Ambry Variant Classification Scheme 2023. Collection method: clinical testing. Allele origin: germline.
Comment: The p.H1258L variant (also known as c.3773A>T), located in coding exon 20 of the ATR gene, results from an A to T substitution at nucleotide position 3773. The histidine at codon 1258 is replaced by leucine, an amino acid with similar properties. This amino acid position is conserved. In addition, this alteration is predicted to be tolerated by in silico analysis. Since supporting evidence is limited at this time, the clinical significance of this alteration remains unclear.

NM_001184.4(ATR):c.3773A>T (p.His1258Leu)

Gene: ATR (ATR checkpoint kinase; minus strand). Cytogenetic location: 3q23.
Variant type: single nucleotide variant.
Coding change: c.3773A>T on transcript NM_001184.4 (MANE Select); coding-DNA position 3773, A replaced by T.
Protein change: p.His1258Leu; replaces histidine 1258 with leucine.
Molecular consequence: missense variant.
Genome position (GRCh38, 1-based): chr3:142,536,154, T>A on the plus strand (A>T on the coding strand, the complement: ATR is on the minus strand). VCF-style: chr3-142536154-T-A. GRCh37 (hg19) VCF-style: chr3-142254996-T-A.
Other names: c.3581A>T, p.His1194Leu (NM_001354579.2); short protein forms H1194L, H1258L.
Identifiers: ClinVar variation 1734776 (VCV001734776.2), dbSNP rs2473309360, ClinGen allele CA354806789.